The following is an entry in ClinVar:

ClinVar aggregate classification (germline): Uncertain significance (1 of 4 stars; one submission).

Conditions:
Ataxia-telangiectasia syndrome (AT). Also called: Ataxia-telangiectasia, complementation group D; Ataxia telangiectasia (A-T); Cerebello-oculocutaneous telangiectasia; Immunodeficiency with ataxia telangiectasia; ATAXIA-TELANGIECTASIA, COMPLEMENTATION GROUP A; ATAXIA-TELANGIECTASIA, FRESNO VARIANT. Identifiers: Orphanet 100, MedGen C0004135, MONDO:0008840, OMIM 208900.

Submission:

Labcorp Genetics (formerly Invitae), Labcorp
Classification: Uncertain significance for Ataxia-telangiectasia syndrome. Last evaluated: 2021-10-15. Review status: criteria provided, single submitter. Criteria: Invitae Variant Classification Sherloc (09022015). Collection method: clinical testing. Allele origin: germline.
Comment: This variant is not present in population databases (ExAC no frequency). In summary, the available evidence is currently insufficient to determine the role of this variant in disease. Therefore, it has been classified as a Variant of Uncertain Significance. Experimental studies and prediction algorithms are not available or were not evaluated, and the functional significance of this variant is currently unknown. This variant has not been reported in the literature in individuals affected with ATM-related conditions. This variant, c.4166_4210del, results in the deletion of 15 amino acid(s) of the ATM protein (p.Thr1389_Ser1403del), but otherwise preserves the integrity of the reading frame.

NM_000051.4(ATM):c.4166_4210del (p.Thr1389_Ser1403del)

Gene: ATM (ATM serine/threonine kinase; plus strand). Cytogenetic location: 11q22.3.
Variant type: Deletion.
Coding change: c.4166_4210del on transcript NM_000051.4 (MANE Select); coding-DNA positions 4166 to 4210, 45 bases deleted.
Protein change: p.Thr1389_Ser1403del.
Molecular consequence: inframe deletion.
Genome position (GRCh38, 1-based): chr11:108,289,033-108,289,077, 45 bases deleted; deleting any 45 consecutive bases within chr11:108,289,032-108,289,077 gives the same sequence; the c. name uses the placement nearest the transcript's 3' end. GRCh37 (hg19): chr11:108,159,760-108,159,804.
Other names: c.4166_4210del, p.Thr1389_Ser1403del (NM_001351834.2).
Identifiers: ClinVar variation 1387356 (VCV001387356.6), dbSNP rs2135752050, ClinGen allele CA2573146529.